The following is an entry in ClinVar:

ClinVar aggregate classification (germline): Uncertain significance (1 of 4 stars; one submission).

Conditions:
Combined immunodeficiency due to STIM1 deficiency. Also called: IMMUNODEFICIENCY 10; STIM1 DEFICIENCY. Identifiers: Orphanet 169090, Orphanet 317430, MedGen C2748557, MONDO:0013008, OMIM 612783.
Stormorken syndrome (STRMK). Also called: THROMBOCYTOPATHY, ASPLENIA, AND MIOSIS. Identifiers: Orphanet 3204, MedGen C1861451, MONDO:0008497, OMIM 185070.
Myopathy with tubular aggregates (TAM). Also called: Tubular Aggregate Myopathy. Identifiers: Orphanet 2593, MedGen C0410207, MONDO:0008051.

Allele frequency attached by ClinVar (database versions not stated): gnomAD exomes below 0.00001; gnomAD 0.00001; TOPMed 0.00001.
gnomAD v4.1: 3 of 1,614,074 alleles (0.00019%); highest among the groups gnomAD compares: Non-Finnish European, 0.00025%; no homozygotes.

Submission:

Labcorp Genetics (formerly Invitae), Labcorp
Classification: Uncertain significance for Myopathy with tubular aggregates; Combined immunodeficiency due to STIM1 deficiency; Stormorken syndrome. Last evaluated: 2024-01-11. Review status: criteria provided, single submitter. Criteria: Invitae Variant Classification Sherloc (09022015). Collection method: clinical testing. Allele origin: germline.
Comment: This sequence change replaces leucine, which is neutral and non-polar, with proline, which is neutral and non-polar, at codon 586 of the STIM1 protein (p.Leu586Pro). This variant is not present in population databases (gnomAD no frequency). This variant has not been reported in the literature in individuals affected with STIM1-related conditions. Advanced modeling of protein sequence and biophysical properties (such as structural, functional, and spatial information, amino acid conservation, physicochemical variation, residue mobility, and thermodynamic stability) has been performed at Invitae for this missense variant, however the output from this modeling did not meet the statistical confidence thresholds required to predict the impact of this variant on STIM1 protein function. In summary, the available evidence is currently insufficient to determine the role of this variant in disease. Therefore, it has been classified as a Variant of Uncertain Significance.

NM_001382567.1(STIM1):c.1850T>C (p.Leu617Pro)

Genes: STIM1 (stromal interaction molecule 1; plus strand), LOC124418421 (Sharpr-MPRA regulatory region 9588; plus strand). Cytogenetic location: 11p15.4.
Variant type: single nucleotide variant.
Coding change: c.1850T>C on transcript NM_001382567.1 (MANE Select); coding-DNA position 1850, T replaced by C.
Protein change: p.Leu617Pro; replaces leucine 617 with proline.
Molecular consequence: missense variant. On other transcripts: 3 prime UTR variant (4), non-coding transcript variant (3).
Genome position (GRCh38, 1-based): chr11:4,091,497, T>C. VCF-style: chr11-4091497-T-C. GRCh37 (hg19) VCF-style: chr11-4112727-T-C.
Other names: c.*171T>C (NM_001382580.1, NM_001277962.2, NM_001382578.1 and 1 more transcripts); c.1268T>C, p.Leu423Pro (NM_001382581.1); c.1757T>C, p.Leu586Pro (NM_003156.4); c.2075T>C, p.Leu692Pro (NM_001277961.3); c.1853T>C, p.Leu618Pro (NM_001382566.1); c.1778T>C, p.Leu593Pro (NM_001382568.1); c.1622T>C, p.Leu541Pro (NM_001382569.1); c.1529T>C, p.Leu510Pro (NM_001382570.1); and 2 more; short protein forms L426P, L541P, L692P, L512P, L586P, L617P, L423P, L618P.
Identifiers: ClinVar variation 2928470 (VCV002928470.3), dbSNP rs1219884557, ClinGen allele CA379197260.
Genomic context (GRCh38, chr11:4,091,497, plus strand): 5'-GGTCTCTGGTGGAGAAACTGCCTGACAGCCCTGCCCTGGCCAAGAAGGCATTACTGGCGC[T>C]GAACCATGGGCTGGACAAGGCCCACAGCCTGATGGAGCTGAGCCCCTCAGCCCCACCTGG-3'
Protein context (NP_001369496.1, residues 607-627): PALAKKALLA[Leu617Pro]NHGLDKAHSL